The following is an entry in ClinVar:

NM_001366110.1(PAX4):c.468T>C (p.His156=)

Gene: PAX4 (paired box 4; minus strand). Cytogenetic location: 7q32.1.
Variant type: single nucleotide variant.
Coding change: c.468T>C on transcript NM_001366110.1 (MANE Select); coding-DNA position 468, T replaced by C.
Protein change: p.His156=; no amino-acid change (histidine 156 retained).
Molecular consequence: synonymous variant.
Genome position (GRCh38, 1-based): chr7:127,613,850, A>G on the plus strand (T>C on the coding strand, the complement: PAX4 is on the minus strand). VCF-style: chr7-127613850-A-G. GRCh37 (hg19) VCF-style: chr7-127253904-A-G.
Other names: NM_006193.2:c.444T>C; c.468T>C, p.His156= (NM_001366111.1).
Identifiers: ClinVar variation 4987266 (VCV004987266.1).

ClinVar aggregate classification (germline): Likely benign (1 of 4 stars; one submission).

Conditions:
PAX4-related disorder. Also called: PAX4-related condition.

gnomAD v4.1: 15 of 1,613,768 alleles (0.00093%); highest among the groups gnomAD compares: East Asian, 0.0067%; no homozygotes.

Submission:

PreventionGenetics, part of Exact Sciences
Classification: Likely benign for PAX4-related condition. Last evaluated: 2024-12-02. Review status: criteria provided, single submitter. Criteria: ACMG Guidelines, 2015. Collection method: clinical testing. Allele origin: germline.
Comment: This variant is classified as likely benign based on ACMG/AMP sequence variant interpretation guidelines (Richards et al. 2015 PMID: 25741868, with internal and published modifications).